The following is an entry in ClinVar:

ClinVar aggregate classification (germline): Pathogenic (1 of 4 stars; one submission).

Submission:

Labcorp Genetics (formerly Invitae), Labcorp
Classification: Pathogenic. Last evaluated: 2023-07-21. Review status: criteria provided, single submitter. Criteria: Invitae Variant Classification Sherloc (09022015). Collection method: clinical testing. Allele origin: germline.
Comment: This sequence change creates a premature translational stop signal (p.Ser230*) in the C1S gene. It is expected to result in an absent or disrupted protein product. Loss-of-function variants in C1S are known to be pathogenic (PMID: 18062908). This variant is not present in population databases (gnomAD no frequency). This variant has not been reported in the literature in individuals affected with C1S-related conditions. ClinVar contains an entry for this variant (Variation ID: 2015221). For these reasons, this variant has been classified as Pathogenic.

Literature cited by the submitters: PubMed 18062908.

NM_001734.5(C1S):c.689C>G (p.Ser230Ter)

Gene: C1S (complement C1s; plus strand). Cytogenetic location: 12p13.31.
Variant type: single nucleotide variant.
Coding change: c.689C>G on transcript NM_001734.5 (MANE Select); coding-DNA position 689, C replaced by G.
Protein change: p.Ser230Ter; replaces serine 230 with a stop codon.
Molecular consequence: nonsense.
Genome position (GRCh38, 1-based): chr12:7,065,271, C>G. VCF-style: chr12-7065271-C-G. GRCh37 (hg19) VCF-style: chr12-7172575-C-G.
Other names: c.188C>G, p.Ser63Ter (NM_001346850.2); c.689C>G, p.Ser230Ter (NM_201442.4); short protein forms S63*, S230*.
Identifiers: ClinVar variation 2015221 (VCV002015221.4), dbSNP rs766474846, ClinGen allele CA383694939.